The following is an entry in ClinVar:

ClinVar aggregate classification (germline): Conflicting classifications of pathogenicity. Review status: criteria provided, conflicting classifications (1 of 4 stars). 3 submissions from 3 submitters: Uncertain significance (2); Likely benign (1). Last evaluated 2026-01-18.

Conditions:
Bethlem myopathy 1A. Also called: Bethlem myopathy 1; MYOPATHY, BENIGN CONGENITAL, WITH CONTRACTURES; Bethlem Muscular Dystrophy. Identifiers: Orphanet 610, MedGen CN029274, MONDO:0024530, OMIM 158810.

Allele frequency attached by ClinVar (database versions not stated): gnomAD exomes below 0.00001 and 0.00001; 1000 Genomes Project 30x 0.00016.
gnomAD v4.1: 8 of 1,612,874 alleles (0.0005%); highest among the groups gnomAD compares: Admixed American, 0.0017%; no homozygotes.

Submissions (3):

Labcorp Genetics (formerly Invitae), Labcorp
Classification: Uncertain significance for Bethlem myopathy 1A. Last evaluated: 2026-01-18. Review status: criteria provided, single submitter. Criteria: Invitae Variant Classification Sherloc (09022015). Collection method: clinical testing. Allele origin: germline.
Comment: This sequence change replaces arginine, which is basic and polar, with cysteine, which is neutral and slightly polar, at codon 734 of the COL6A2 protein (p.Arg734Cys). This variant is present in population databases (no rsID available, gnomAD 0.003%). This variant has not been reported in the literature in individuals affected with COL6A2-related conditions. ClinVar contains an entry for this variant (Variation ID: 258323). Invitae Evidence Modeling of protein sequence and biophysical properties (such as structural, functional, and spatial information, amino acid conservation, physicochemical variation, residue mobility, and thermodynamic stability) indicates that this missense variant is expected to disrupt COL6A2 protein function with a positive predictive value of 80%. In summary, the available evidence is currently insufficient to determine the role of this variant in disease. Therefore, it has been classified as a Variant of Uncertain Significance.

Revvity Omics, Revvity
Classification: Uncertain significance. Last evaluated: 2022-01-27. Review status: criteria provided, single submitter. Criteria: ACMG Guidelines, 2015. Collection method: clinical testing. Allele origin: germline.

PreventionGenetics, part of Exact Sciences
Classification: Likely benign. Review status: criteria provided, single submitter. Criteria: ACMG Guidelines, 2015. Collection method: clinical testing. Allele origin: germline.

NM_001849.4(COL6A2):c.2200C>T (p.Arg734Cys)

Gene: COL6A2 (collagen type VI alpha 2 chain; plus strand). Cytogenetic location: 21q22.3.
Variant type: single nucleotide variant.
Coding change: c.2200C>T on transcript NM_001849.4 (MANE Select); coding-DNA position 2200, C replaced by T.
Protein change: p.Arg734Cys; replaces arginine 734 with cysteine.
Molecular consequence: missense variant.
Genome position (GRCh38, 1-based): chr21:46,126,015, C>T. VCF-style: chr21-46126015-C-T. GRCh37 (hg19) VCF-style: chr21-47545929-C-T.
Other names: c.2200C>T, p.Arg734Cys (NM_058174.3, NM_058175.3); short protein forms R734C.
Identifiers: ClinVar variation 258323 (VCV000258323.6), dbSNP rs886038496, ClinGen allele CA10587369.